The following is an entry in ClinVar:

ClinVar aggregate classification (germline): Likely benign (0 of 4 stars; one submission).

Conditions:
LINGO1-related disorder. Also called: LINGO1-related condition.

gnomAD v4.1: 67 of 1,613,906 alleles (0.0042%); highest among the groups gnomAD compares: East Asian, 0.11%; no homozygotes.

Submission:

PreventionGenetics, part of Exact Sciences
Classification: Likely benign for LINGO1-related condition. Last evaluated: 2019-07-01. Review status: no assertion criteria provided. Collection method: clinical testing. Allele origin: germline.
Comment: This variant is classified as likely benign based on ACMG/AMP sequence variant interpretation guidelines (Richards et al. 2015 PMID: 25741868, with internal and published modifications).

NM_032808.7(LINGO1):c.1566C>T (p.Pro522=)

Gene: LINGO1 (leucine rich repeat and Ig domain containing 1; minus strand). Cytogenetic location: 15q24.3.
Variant type: single nucleotide variant.
Coding change: c.1566C>T on transcript NM_032808.7 (MANE Select); coding-DNA position 1566, C replaced by T.
Protein change: p.Pro522=; no amino-acid change (proline 522 retained).
Molecular consequence: synonymous variant.
Genome position (GRCh38, 1-based): chr15:77,614,341, G>A on the plus strand (C>T on the coding strand, the complement: LINGO1 is on the minus strand). VCF-style: chr15-77614341-G-A. GRCh37 (hg19) VCF-style: chr15-77906683-G-A.
Other names: c.1548C>T, p.Pro516= (NM_001301186.2, NM_001301187.2, NM_001301189.2 and 8 more transcripts).
Identifiers: ClinVar variation 3351650 (VCV003351650.1).